The following is an entry in ClinVar:

NM_000088.4(COL1A1):c.1767+17G>T

Gene: COL1A1 (collagen type I alpha 1 chain; minus strand). Cytogenetic location: 17q21.33.
Variant type: single nucleotide variant.
Coding change: c.1767+17G>T on transcript NM_000088.4 (MANE Select); 17 bases into the intron after coding-DNA position 1767, G replaced by T.
Molecular consequence: intron variant.
Genome position (GRCh38, 1-based): chr17:50,193,926, C>A on the plus strand (G>T on the coding strand, the complement: COL1A1 is on the minus strand). VCF-style: chr17-50193926-C-A. GRCh37 (hg19) VCF-style: chr17-48271287-C-A.
Identifiers: ClinVar variation 3726899 (VCV003726899.2).

ClinVar aggregate classification (germline): Uncertain significance (1 of 4 stars; one submission).

Conditions:
Osteogenesis imperfecta type I (OI1). Also called: Lobstein's Disease; Lobstein disease; Classic Non-deforming Osteogenesis Imperfecta with Blue Sclerae; OI, TYPE I; OSTEOGENESIS IMPERFECTA TARDA; OSTEOGENESIS IMPERFECTA WITH BLUE SCLERAE. Identifiers: Orphanet 216796, Orphanet 666, MedGen C0023931, MONDO:0008146, OMIM 166200. Disease mechanism: loss of function.

Submission:

Labcorp Genetics (formerly Invitae), Labcorp
Classification: Uncertain significance for Osteogenesis imperfecta type I. Last evaluated: 2025-05-26. Review status: criteria provided, single submitter. Criteria: Invitae Variant Classification Sherloc (09022015). Collection method: clinical testing. Allele origin: germline.
Comment: This sequence change falls in intron 25 of the COL1A1 gene. It does not directly change the encoded amino acid sequence of the COL1A1 protein. This variant is not present in population databases (gnomAD no frequency). This variant has not been reported in the literature in individuals affected with COL1A1-related conditions. ClinVar contains an entry for this variant (Variation ID: 3726899). Algorithms developed to predict the effect of sequence changes on RNA splicing suggest that this variant may disrupt the consensus splice site. In summary, the available evidence is currently insufficient to determine the role of this variant in disease. Therefore, it has been classified as a Variant of Uncertain Significance.